The following is an entry in ClinVar:

NM_001330677.2(TBX15):c.1365G>A (p.Ser455=)

Gene: TBX15 (T-box transcription factor 15; minus strand). Cytogenetic location: 1p12.
Variant type: single nucleotide variant.
Coding change: c.1365G>A on transcript NM_001330677.2 (MANE Select); coding-DNA position 1365, G replaced by A.
Protein change: p.Ser455=; no amino-acid change (serine 455 retained).
Molecular consequence: synonymous variant.
Genome position (GRCh38, 1-based): chr1:118,885,176, C>T on the plus strand (G>A on the coding strand, the complement: TBX15 is on the minus strand). VCF-style: chr1-118885176-C-T. GRCh37 (hg19) VCF-style: chr1-119427799-C-T.
Other names: c.1047G>A, p.Ser349= (NM_152380.3).
Identifiers: ClinVar variation 764851 (VCV000764851.5), dbSNP rs143725585, ClinGen allele CA1034861.
Genomic context (GRCh38, chr1:118,885,176, plus strand): 5'-GGAAGTGGGAAAGGACCCCAGCTGGCCACCGTAGGCTTCCATCTTGCTGTTGCCAGGCAA[C>T]GAGGGAGGAGTTGGTATTCCTGAGATCAGGGATGGAGTCCTCTGAGGCATGAAGGTTTCA-3'
Protein context (NP_001317606.1, residues 445-465): SLISGIPTPP[Ser455=]LPGNSKMEAY

ClinVar aggregate classification (germline): Likely benign. Review status: criteria provided, multiple submitters, no conflicts (2 of 4 stars). 3 submissions from 3 submitters: Likely benign (2). 1 of the submissions does not count toward it. Last evaluated 2018-08-20.

Conditions:
TBX15-related disorder. Also called: TBX15-related condition.

Allele frequency attached by ClinVar (database versions not stated): gnomAD exomes 0.00001 and 0.00003; ExAC 0.00002; gnomAD 0.00007; ESP Exome Variant Server 0.00008; TOPMed 0.00009; 1000 Genomes Project 30x 0.00016; 1000 Genomes Project 0.00020.
gnomAD v4.1: 27 of 1,614,110 alleles (0.0017%); highest among the groups gnomAD compares: African/African-American, 0.024%; no homozygotes.

Submissions (3):

Labcorp Genetics (formerly Invitae), Labcorp
Classification: Likely benign. Last evaluated: 2018-08-20. Review status: criteria provided, single submitter. Criteria: Invitae Variant Classification Sherloc (09022015). Collection method: clinical testing. Allele origin: germline.

Breakthrough Genomics
Classification: Likely benign. Review status: criteria provided, single submitter. Criteria: ACMG Guidelines, 2015. Collection method: not provided. Allele origin: germline. Inheritance: Autosomal recessive inheritance. Affected: yes.

PreventionGenetics, part of Exact Sciences
Classification: Likely benign for TBX15-related condition. Last evaluated: 2024-09-14. Review status: no assertion criteria provided. Collection method: clinical testing. Allele origin: germline. Not counted in ClinVar's aggregate classification.
Comment: This variant is classified as likely benign based on ACMG/AMP sequence variant interpretation guidelines (Richards et al. 2015 PMID: 25741868, with internal and published modifications).